The following is an entry in ClinVar:

NM_000717.5(CA4):c.787A>G (p.Thr263Ala)

Gene: CA4 (carbonic anhydrase 4; plus strand). Cytogenetic location: 17q23.1.
Variant type: single nucleotide variant.
Coding change: c.787A>G on transcript NM_000717.5 (MANE Select); coding-DNA position 787, A replaced by G.
Protein change: p.Thr263Ala; replaces threonine 263 with alanine.
Molecular consequence: missense variant. On other transcripts: non-coding transcript variant (1).
Genome position (GRCh38, 1-based): chr17:60,159,272, A>G. VCF-style: chr17-60159272-A-G. GRCh37 (hg19) VCF-style: chr17-58236633-A-G.
Other names: short protein forms T263A.
Identifiers: ClinVar variation 3028476 (VCV003028476.2), dbSNP rs1195746445, ClinGen allele CA400460571.

ClinVar aggregate classification (germline): Conflicting classifications of pathogenicity. Review status: criteria provided, conflicting classifications (1 of 4 stars). 2 submissions from 2 submitters: Uncertain significance (1); Benign (1). Last evaluated 2025-08-10.

Conditions:
Retinal dystrophy. Also called: Inherited retinal dystrophy. Identifiers: Orphanet 71862, MedGen C0854723, MeSH D058499, MONDO:0019118, HP:0000556.

Allele frequency attached by ClinVar (database versions not stated): gnomAD exomes 0.00001.

Submissions (2):

Labcorp Genetics (formerly Invitae), Labcorp
Classification: Uncertain significance. Last evaluated: 2025-08-10. Review status: criteria provided, single submitter. Criteria: Invitae Variant Classification Sherloc (09022015). Collection method: clinical testing. Allele origin: germline.
Comment: This sequence change replaces threonine, which is neutral and polar, with alanine, which is neutral and non-polar, at codon 263 of the CA4 protein (p.Thr263Ala). This variant is not present in population databases (gnomAD no frequency). This variant has not been reported in the literature in individuals affected with CA4-related conditions. ClinVar contains an entry for this variant (Variation ID: 3028476). An algorithm developed to predict the effect of missense changes on protein structure and function (PolyPhen-2) suggests that this variant is likely to be tolerated. In summary, the available evidence is currently insufficient to determine the role of this variant in disease. Therefore, it has been classified as a Variant of Uncertain Significance.

Dept Of Ophthalmology, Nagoya University
Classification: Benign for Retinal dystrophy. Last evaluated: 2023-10-01. Review status: criteria provided, single submitter. Criteria: Submitter's publication. Collection method: research. Allele origin: germline. Affected: yes.